The following is an entry in ClinVar:

ClinVar aggregate classification (germline): Uncertain significance (1 of 4 stars; one submission).

Submission:

Labcorp Genetics (formerly Invitae), Labcorp
Classification: Uncertain significance. Last evaluated: 2025-05-22. Review status: criteria provided, single submitter. Criteria: Invitae Variant Classification Sherloc (09022015). Collection method: clinical testing. Allele origin: germline.
Comment: This sequence change replaces leucine, which is neutral and non-polar, with histidine, which is basic and polar, at codon 398 of the SLC7A14 protein (p.Leu398His). This variant is not present in population databases (gnomAD no frequency). This variant has not been reported in the literature in individuals affected with SLC7A14-related conditions. An algorithm developed to predict the effect of missense changes on protein structure and function (PolyPhen-2) suggests that this variant is likely to be disruptive. In summary, the available evidence is currently insufficient to determine the role of this variant in disease. Therefore, it has been classified as a Variant of Uncertain Significance.

NM_020949.3(SLC7A14):c.1193T>A (p.Leu398His)

Genes: SLC7A14 (solute carrier family 7 member 14; minus strand), SLC7A14-AS1 (SLC7A14 antisense RNA 1; plus strand). Cytogenetic location: 3q26.2.
Variant type: single nucleotide variant.
Coding change: c.1193T>A on transcript NM_020949.3 (MANE Select); coding-DNA position 1193, T replaced by A.
Protein change: p.Leu398His; replaces leucine 398 with histidine.
Molecular consequence: missense variant.
Genome position (GRCh38, 1-based): chr3:170,481,089, A>T on the plus strand (T>A on the coding strand, the complement: SLC7A14 is on the minus strand). VCF-style: chr3-170481089-A-T. GRCh37 (hg19) VCF-style: chr3-170198878-A-T.
Other names: short protein forms L398H.
Identifiers: ClinVar variation 4719531 (VCV004719531.1).
Genomic context (GRCh38, chr3:170,481,089, plus strand): 5'-GCCAGGAGCGTGCCGATAGACATCATCTCTATCAGGTCTCTCAAGCTGACCAACAGTGCG[A>T]GGAGCGCTGCCAGGAACCCCGACACGATGCAGGCCACCACTGGTGTCTCTGTGTAGGAGC-3'
Protein context (NP_066000.2, residues 388-408): CIVSGFLAAL[Leu398His]ALLVSLRDLI